The following is an entry in ClinVar:

NM_058216.3(RAD51C):c.562_565del (p.Lys188fs)

Gene: RAD51C (RAD51 paralog C; plus strand). Cytogenetic location: 17q22.
Variant type: Deletion.
Coding change: c.562_565del on transcript NM_058216.3 (MANE Select); coding-DNA positions 562 to 565, 4 bases deleted (AAGG; older notation c.562_565delAAGG).
Protein change: p.Lys188fs; shifts the reading frame from lysine 188.
Molecular consequence: frameshift variant.
Genome position (GRCh38, 1-based): chr17:58,696,850-58,696,853, AAGG deleted. VCF-style (leftmost placement, unchanged base first): chr17-58696849-CAAGG-C. GRCh37 (hg19) VCF-style: chr17-56774210-CAAGG-C.
Other names: c.562_565del (LRG_314t1); short protein forms K188fs.
Identifiers: ClinVar variation 480519 (VCV000480519.14), dbSNP rs1555594912, ClinGen allele CA658658642.

ClinVar aggregate classification (germline): Pathogenic. Review status: criteria provided, multiple submitters, no conflicts (2 of 4 stars). 4 submissions from 4 submitters: Pathogenic (4). Last evaluated 2024-01-03.

Conditions:
Hereditary cancer-predisposing syndrome. Also called: Hereditary neoplastic syndrome; Neoplastic Syndromes, Hereditary; Tumor predisposition; Hereditary Cancer Syndrome. Identifiers: Orphanet 140162, MedGen C0027672, MeSH D009386, MONDO:0015356.
Fanconi anemia complementation group O. Also called: RAD51C-Related Fanconi Anemia. Identifiers: Orphanet 84, MedGen C3150653, MONDO:0013248, OMIM 613390.
Breast-ovarian cancer, familial, susceptibility to, 3. Also called: RAD51C-Related Breast/Ovarian Cancer. Identifiers: Orphanet 145, MedGen C3150659, MONDO:0013253, OMIM 613399.

Submissions (4):

Myriad Genetics, Inc.
Classification: Pathogenic for Breast-ovarian cancer, familial, susceptibility to, 3. Last evaluated: 2024-01-03. Review status: criteria provided, single submitter. Criteria: Myriad Autosomal Dominant, Autosomal Recessive and X-Linked Classification Criteria (2023). Collection method: clinical testing. Allele origin: unknown.
Comment: This variant is considered pathogenic. This variant creates a frameshift predicted to result in premature protein truncation.

Labcorp Genetics (formerly Invitae), Labcorp
Classification: Pathogenic for Fanconi anemia complementation group O. Last evaluated: 2022-10-05. Review status: criteria provided, single submitter. Criteria: Invitae Variant Classification Sherloc (09022015). Collection method: clinical testing. Allele origin: germline.
Comment: For these reasons, this variant has been classified as Pathogenic. ClinVar contains an entry for this variant (Variation ID: 480519). This sequence change creates a premature translational stop signal (p.Lys188Glufs*50) in the RAD51C gene. It is expected to result in an absent or disrupted protein product. Loss-of-function variants in RAD51C are known to be pathogenic (PMID: 20400964, 21990120, 24800917). This variant has not been reported in the literature in individuals affected with RAD51C-related conditions. This variant is not present in population databases (gnomAD no frequency).

Ambry Genetics
Classification: Pathogenic for Hereditary cancer-predisposing syndrome. Last evaluated: 2022-08-30. Review status: criteria provided, single submitter. Criteria: Ambry Variant Classification Scheme 2023. Collection method: clinical testing. Allele origin: germline.
Comment: The c.562_565delAAGG pathogenic mutation, located in coding exon 3 of the RAD51C gene, results from a deletion of 4 nucleotides at nucleotide positions 562 to 565, causing a translational frameshift with a predicted alternate stop codon (p.K188Efs*50). This alteration is expected to result in loss of function by premature protein truncation or nonsense-mediated mRNA decay. As such, this alteration is interpreted as a disease-causing mutation.

Color Diagnostics, LLC DBA Color Health
Classification: Pathogenic for Hereditary cancer-predisposing syndrome. Last evaluated: 2020-01-15. Review status: criteria provided, single submitter. Criteria: ACMG Guidelines, 2015. Collection method: clinical testing. Allele origin: germline.
Comment: This variant deletes 4 nucleotides in exon 3 of the RAD51C gene, creating a frameshift and premature translation stop signal. This variant is expected to result in an absent or non-functional protein product. This variant has not been identified in the general population by the Genome Aggregation Database (gnomAD). Loss of RAD51C function is a known mechanism of disease. Based on the available evidence, this variant is classified as Pathogenic.

Literature cited by the submitters: PubMed 20400964 (cited by Labcorp Genetics (formerly Invitae), Labcorp); PubMed 21990120 (cited by Labcorp Genetics (formerly Invitae), Labcorp); PubMed 24800917 (cited by Labcorp Genetics (formerly Invitae), Labcorp).